The following is an entry in ClinVar:

ClinVar aggregate classification (germline): Uncertain significance (1 of 4 stars; one submission).

Conditions:
Hereditary pancreatitis (PCTT). Also called: Hereditary chronic pancreatitis; PRSS1-Related Hereditary Pancreatitis. Identifiers: Orphanet 676, MedGen C0238339, MONDO:0008185, OMIM 167800.

Submission:

Ambry Genetics
Classification: Uncertain significance for Hereditary pancreatitis. Last evaluated: 2024-09-20. Review status: criteria provided, single submitter. Criteria: Ambry Variant Classification Scheme 2023. Collection method: clinical testing. Allele origin: germline.
Comment: The p.H417R variant (also known as c.1250A>G), located in coding exon 10 of the CPA1 gene, results from an A to G substitution at nucleotide position 1250. The histidine at codon 417 is replaced by arginine, an amino acid with highly similar properties. This amino acid position is conserved. In addition, this alteration is predicted to be tolerated by in silico analysis. Based on the available evidence, the clinical significance of this variant remains unclear.

NM_001868.4(CPA1):c.1250A>G (p.His417Arg)

Gene: CPA1 (carboxypeptidase A1; plus strand). Cytogenetic location: 7q32.2.
Variant type: single nucleotide variant.
Coding change: c.1250A>G on transcript NM_001868.4 (MANE Select); coding-DNA position 1250, A replaced by G.
Protein change: p.His417Arg; replaces histidine 417 with arginine.
Molecular consequence: missense variant.
Genome position (GRCh38, 1-based): chr7:130,388,001, A>G. VCF-style: chr7-130388001-A-G. GRCh37 (hg19) VCF-style: chr7-130027842-A-G.
Other names: short protein forms H417R.
Identifiers: ClinVar variation 3496205 (VCV003496205.1).
Genomic context (GRCh38, chr7:130,388,001, plus strand): 5'-TCCCCACAGCCAAGGAGACGTGGCTGGCGCTTCTGACCATCATGGAGCACACCCTGAATC[A>G]CCCCTACTGAGCTGACCCTTTGACACCCTTCTTGTCCTCCTCTCTGGCCCCATCCAGGCA-3'
Protein context (NP_001859.1, residues 407-419): LLTIMEHTLN[His417Arg]PY